The following is an entry in ClinVar:

ClinVar aggregate classification (germline): Conflicting classifications of pathogenicity. Review status: criteria provided, conflicting classifications (1 of 4 stars). 3 submissions from 3 submitters: Uncertain significance (2); Likely benign (1). Last evaluated 2026-01-22.

Conditions:
Alstrom syndrome (ALMS). Identifiers: Orphanet 64, MedGen C0268425, MONDO:0008763, OMIM 203800.
Cardiovascular phenotype. Identifiers: MedGen CN230736.

Allele frequency attached by ClinVar (database versions not stated): TOPMed 0.00004; gnomAD 0.00001.
gnomAD v4.1: 29 of 1,605,092 alleles (0.0018%); highest among the groups gnomAD compares: East Asian, 0.058%; no homozygotes.

Submissions (3):

GeneDx
Classification: Uncertain significance. Last evaluated: 2026-01-22. Review status: criteria provided, single submitter. Criteria: GeneDx Variant Classification Process June 2021. Collection method: clinical testing. Allele origin: germline.
Comment: In silico analysis suggests that this missense variant does not alter protein structure/function; Has not been previously published as pathogenic or benign to our knowledge

Ambry Genetics
Classification: Likely benign for Cardiovascular phenotype. Last evaluated: 2024-03-12. Review status: criteria provided, single submitter. Criteria: Ambry Variant Classification Scheme 2023. Collection method: clinical testing. Allele origin: germline.

Labcorp Genetics (formerly Invitae), Labcorp
Classification: Uncertain significance for Alstrom syndrome. Last evaluated: 2022-08-10. Review status: criteria provided, single submitter. Criteria: Invitae Variant Classification Sherloc (09022015). Collection method: clinical testing. Allele origin: germline.
Comment: This sequence change replaces threonine, which is neutral and polar, with isoleucine, which is neutral and non-polar, at codon 742 of the ALMS1 protein (p.Thr742Ile). This variant is present in population databases (rs758047046, gnomAD 0.05%). This variant has not been reported in the literature in individuals affected with ALMS1-related conditions. ClinVar contains an entry for this variant (Variation ID: 966239). Experimental studies and prediction algorithms are not available or were not evaluated, and the functional significance of this variant is currently unknown. In summary, the available evidence is currently insufficient to determine the role of this variant in disease. Therefore, it has been classified as a Variant of Uncertain Significance.

NM_001378454.1(ALMS1):c.2222C>T (p.Thr741Ile)

Gene: ALMS1 (ALMS1 centrosome and basal body associated protein; plus strand). Cytogenetic location: 2p13.1.
Variant type: single nucleotide variant.
Coding change: c.2222C>T on transcript NM_001378454.1 (MANE Select); coding-DNA position 2222, C replaced by T.
Protein change: p.Thr741Ile; replaces threonine 741 with isoleucine.
Molecular consequence: missense variant.
Genome position (GRCh38, 1-based): chr2:73,448,749, C>T. VCF-style: chr2-73448749-C-T. GRCh37 (hg19) VCF-style: chr2-73675876-C-T.
Other names: c.2225C>T, p.Thr742Ile (NM_015120.4); short protein forms T741I, T742I.
Identifiers: ClinVar variation 966239 (VCV000966239.6), dbSNP rs758047046, ClinGen allele CA1713308.
Genomic context (GRCh38, chr2:73,448,749, plus strand): 5'-AGCCTGGTATTTTTTACCAACAAGAGTTCGCAGACAGTCATCAAACTGAAGAGACTCTTA[C>T]TAAAGTTTCAGCCACTCCTGGACCAGCTGACCAGAAGACTGAGATACCAGCAGTACAGTC-3'
Protein context (NP_001365383.1, residues 731-751): ADSHQTEETL[Thr741Ile]KVSATPGPAD